The following is an entry in ClinVar:

NM_001270.4(CHD1):c.4033A>G (p.Ile1345Val)

Gene: CHD1 (chromodomain helicase DNA binding protein 1; minus strand). Cytogenetic location: 5q15.
Variant type: single nucleotide variant.
Coding change: c.4033A>G on transcript NM_001270.4 (MANE Select); coding-DNA position 4033, A replaced by G.
Protein change: p.Ile1345Val; replaces isoleucine 1345 with valine.
Molecular consequence: missense variant. On other transcripts: non-coding transcript variant (2).
Genome position (GRCh38, 1-based): chr5:98,869,828, T>C on the plus strand (A>G on the coding strand, the complement: CHD1 is on the minus strand). VCF-style: chr5-98869828-T-C. GRCh37 (hg19) VCF-style: chr5-98205532-T-C.
Other names: c.4033A>G, p.Ile1345Val (NM_001364113.3, NM_001376194.2); short protein forms I1345V.
Identifiers: ClinVar variation 771152 (VCV000771152.29), dbSNP rs139215644, ClinGen allele CA3355795.

ClinVar aggregate classification (germline): Benign/Likely benign. Review status: criteria provided, multiple submitters, no conflicts (2 of 4 stars). 4 submissions from 4 submitters: Benign (1); Likely benign (3). Last evaluated 2026-01-01.

Conditions:
Pilarowski-Bjornsson syndrome. Also called: DEVELOPMENTAL DELAY AND SPEECH APRAXIA WITH OR WITHOUT SEIZURES. Identifiers: Orphanet 529965, MedGen C4540131, MONDO:0060568, OMIM 617682.

Allele frequency attached by ClinVar (database versions not stated): gnomAD 0.00093 and 0.00128; TOPMed 0.00105; ESP Exome Variant Server 0.00131; gnomAD exomes 0.00181 and 0.00233; 1000 Genomes Project 30x 0.00203; ExAC 0.00237; 1000 Genomes Project 0.00260.
gnomAD v4.1: 2,831 of 1,610,332 alleles (0.18%); highest among the groups gnomAD compares: South Asian, 1.1%; 20 homozygotes.

Submissions (4):

CeGaT Center for Human Genetics Tuebingen
Classification: Benign. Last evaluated: 2026-01-01. Review status: criteria provided, single submitter. Criteria: CeGaT Center For Human Genetics Tuebingen Variant Classification Criteria Version 2. Collection method: clinical testing. Allele origin: germline. Affected: yes. Observed: 7 variant alleles.
Comment: CHD1: BP4, BS1, BS2

Fulgent Genetics
Classification: Likely benign for Pilarowski-Bjornsson syndrome. Last evaluated: 2021-08-05. Review status: criteria provided, single submitter. Criteria: ACMG Guidelines, 2015. Collection method: clinical testing. Allele origin: unknown.

Labcorp Genetics (formerly Invitae), Labcorp
Classification: Likely benign. Last evaluated: 2019-12-31. Review status: criteria provided, single submitter. Criteria: Invitae Variant Classification Sherloc (09022015). Collection method: clinical testing. Allele origin: germline.

Breakthrough Genomics
Classification: Likely benign. Review status: criteria provided, single submitter. Criteria: ACMG Guidelines, 2015. Collection method: not provided. Allele origin: germline. Inheritance: Autosomal dominant inheritance. Affected: yes.